The following is an entry in ClinVar:

NM_004387.4(NKX2-5):c.588G>A (p.Gln196=)

Gene: NKX2-5 (NK2 homeobox 5; minus strand). Cytogenetic location: 5q35.1.
Variant type: single nucleotide variant.
Coding change: c.588G>A on transcript NM_004387.4 (MANE Select); coding-DNA position 588, G replaced by A.
Protein change: p.Gln196=; no amino-acid change (glutamine 196 retained).
Molecular consequence: synonymous variant. On other transcripts: 3 prime UTR variant (2).
Genome position (GRCh38, 1-based): chr5:173,232,956, C>T on the plus strand (G>A on the coding strand, the complement: NKX2-5 is on the minus strand). VCF-style: chr5-173232956-C-T. GRCh37 (hg19) VCF-style: chr5-172659959-C-T.
Other names: c.*541G>A (NM_001166175.2); c.*387G>A (NM_001166176.2).
Identifiers: ClinVar variation 1750312 (VCV001750312.3), dbSNP rs2480072752, ClinGen allele CA447974923.

ClinVar aggregate classification (germline): Likely benign. Review status: criteria provided, multiple submitters, no conflicts (2 of 4 stars). 2 submissions from 2 submitters: Likely benign (2). Last evaluated 2025-03-31.

Conditions:
NKX2-5-related disorder. Also called: NKX2-5-related condition.
Cardiovascular phenotype. Identifiers: MedGen CN230736.

Submissions (2):

PreventionGenetics, part of Exact Sciences
Classification: Likely benign for NKX2-5-related condition. Last evaluated: 2025-03-31. Review status: criteria provided, single submitter. Criteria: ACMG Guidelines, 2015. Collection method: clinical testing. Allele origin: germline.
Comment: This variant is classified as likely benign based on ACMG/AMP sequence variant interpretation guidelines (Richards et al. 2015 PMID: 25741868, with internal and published modifications).

Ambry Genetics
Classification: Likely benign for Cardiovascular phenotype. Last evaluated: 2020-02-02. Review status: criteria provided, single submitter. Criteria: Ambry Variant Classification Scheme 2023. Collection method: clinical testing. Allele origin: germline.